The following is an entry in ClinVar:

ClinVar aggregate classification (germline): Benign/Likely benign. Review status: criteria provided, multiple submitters, no conflicts (2 of 4 stars). 6 submissions from 6 submitters: Benign (1); Likely benign (3). 2 of the submissions do not count toward it. Last evaluated 2026-01-26.

Conditions:
COL4A1-related disorder. Also called: COL4A1-related disorders; COL4A1-related condition. Identifiers: MedGen CN376119, MONDO:0800461.
Vascular dementia. Identifiers: MedGen C0011269, MeSH D015140, MONDO:0004648.

Allele frequency attached by ClinVar (database versions not stated): TOPMed 0.00014; 1000 Genomes Project 30x 0.00016; 1000 Genomes Project 0.00020; gnomAD exomes 0.00024 and 0.00037; ExAC 0.00040.
gnomAD v4.1: 396 of 1,614,052 alleles (0.025%); highest among the groups gnomAD compares: Middle Eastern, 0.016%; 1 homozygote.

Submissions (6):

Labcorp Genetics (formerly Invitae), Labcorp
Classification: Likely benign. Last evaluated: 2026-01-26. Review status: criteria provided, single submitter. Criteria: Invitae Variant Classification Sherloc (09022015). Collection method: clinical testing. Allele origin: germline.

CeGaT Center for Human Genetics Tuebingen
Classification: Benign. Last evaluated: 2025-01-01. Review status: criteria provided, single submitter. Criteria: CeGaT Center For Human Genetics Tuebingen Variant Classification Criteria Version 2. Collection method: clinical testing. Allele origin: germline. Affected: yes. Observed: 5 variant alleles.
Comment: COL4A1: BS1, BS2

Blueprint Genetics
Classification: Likely benign. Last evaluated: 2024-05-23. Review status: criteria provided, single submitter. Criteria: ACMG Guidelines, 2015. Collection method: clinical testing. Allele origin: germline.

GeneDx
Classification: Likely benign. Last evaluated: 2021-06-03. Review status: criteria provided, single submitter. Criteria: GeneDx Variant Classification Process June 2021. Collection method: clinical testing. Allele origin: germline. Affected: yes.
Comment: Has not been previously published as pathogenic or benign to our knowledge; In silico analysis supports that this missense variant does not alter protein structure/function

Myllykangas group, University of Helsinki
Classification: Uncertain significance for Vascular dementia. Last evaluated: 2020-04-01. Review status: no assertion criteria provided. Collection method: research. Allele origin: germline. Affected: yes. Not counted in ClinVar's aggregate classification.

PreventionGenetics, part of Exact Sciences
Classification: Likely benign for COL4A1-related condition. Last evaluated: 2019-07-11. Review status: no assertion criteria provided. Collection method: clinical testing. Allele origin: germline. Not counted in ClinVar's aggregate classification.
Comment: This variant is classified as likely benign based on ACMG/AMP sequence variant interpretation guidelines (Richards et al. 2015 PMID: 25741868, with internal and published modifications).

Literature cited by the submitters: PubMed 33268848 (cited by Myllykangas group, University of Helsinki).

NM_001845.6(COL4A1):c.401C>T (p.Pro134Leu)

Gene: COL4A1 (collagen type IV alpha 1 chain; minus strand). Cytogenetic location: 13q34.
Variant type: single nucleotide variant.
Coding change: c.401C>T on transcript NM_001845.6 (MANE Select); coding-DNA position 401, C replaced by T.
Protein change: p.Pro134Leu; replaces proline 134 with leucine.
Molecular consequence: missense variant.
Genome position (GRCh38, 1-based): chr13:110,211,909, G>A on the plus strand (C>T on the coding strand, the complement: COL4A1 is on the minus strand). VCF-style: chr13-110211909-G-A. GRCh37 (hg19) VCF-style: chr13-110864256-G-A.
Other names: c.401C>T, p.Pro134Leu (NM_001303110.2); short protein forms P134L.
Identifiers: ClinVar variation 872946 (VCV000872946.35), dbSNP rs140517831, ClinGen allele CA7048526.
Genomic context (GRCh38, chr13:110,211,909, plus strand): 5'-CCTAAATAACCTCTACTCACGGGATTTCCAGCGAAACCAGGCAAGCCAGGAGGCCCGAGC[G>A]GCCCTCTCTCCCCCTGGGGAGACAGCAGAGCATCATTCATACGCACTGTGTGTGGCAGAC-3'
Protein context (NP_001836.3, residues 124-144): GCNGTKGERG[Pro134Leu]LGPPGLPGFA